The following is an entry in ClinVar:

ClinVar aggregate classification (germline): Likely benign (1 of 4 stars; one submission).

Conditions:
Peutz-Jeghers syndrome (PJS). Also called: POLYPOSIS, HAMARTOMATOUS INTESTINAL; POLYPS-AND-SPOTS SYNDROME; Peutz-Jeghers polyposis; Periorificial lentiginosis syndrome. Identifiers: Orphanet 2869, MedGen C0031269, MeSH D010580, MONDO:0008280, OMIM 175200.

Submission:

Myriad Genetics, Inc.
Classification: Likely benign for Peutz-Jeghers syndrome. Last evaluated: 2025-03-28. Review status: criteria provided, single submitter. Criteria: Myriad Autosomal Dominant, Autosomal Recessive and X-Linked Classification Criteria (2023). Collection method: clinical testing. Allele origin: unknown.
Comment: This variant is considered likely benign. This variant is intronic and is not expected to impact mRNA splicing.

NM_000455.5(STK11):c.1108+9G>C

Genes: STK11 (serine/threonine kinase 11; plus strand), LOC130062899 (ATAC-STARR-seq lymphoblastoid active region 13597; plus strand). Cytogenetic location: 19p13.3.
Variant type: single nucleotide variant.
Coding change: c.1108+9G>C on transcript NM_000455.5 (MANE Select); 9 bases into the intron after coding-DNA position 1108, G replaced by C.
Molecular consequence: intron variant.
Genome position (GRCh38, 1-based): chr19:1,223,181, G>C. VCF-style: chr19-1223181-G-C. GRCh37 (hg19) VCF-style: chr19-1223180-G-C.
Other names: c.1108+9G>C (NM_001407255.1).
Identifiers: ClinVar variation 3903507 (VCV003903507.1).
Genomic context (GRCh38, chr19:1,223,181, plus strand): 5'-CTCTTCGACATCGAGGATGACATCATCTACACTCAGGACTTCACGGTGCCCGGTGAGTCT[G>C]GCGGGGGCCCCTGCCCGGCTCTGCTGACTCGGCCAGGATGTCCCACGGGAGCAGGGTGCC-3'